The following is an entry in ClinVar:

ClinVar aggregate classification (germline): Uncertain significance (1 of 4 stars; one submission).

Submission:

Labcorp Genetics (formerly Invitae), Labcorp
Classification: Uncertain significance. Last evaluated: 2022-06-20. Review status: criteria provided, single submitter. Criteria: Invitae Variant Classification Sherloc (09022015). Collection method: clinical testing. Allele origin: germline.
Comment: This sequence change replaces threonine with aspartic acid at codon 264 of the MYSM1 protein (p.Thr264Asp). The threonine residue is weakly conserved and there is a moderate physicochemical difference between threonine and aspartic acid. The frequency data for this variant in the population databases is considered unreliable, as metrics indicate poor data quality at this position in the gnomAD database. This variant has not been reported in the literature in individuals affected with MYSM1-related conditions. Algorithms developed to predict the effect of missense changes on protein structure and function are either unavailable or do not agree on the potential impact of this missense change (SIFT: "Not Available"; PolyPhen-2: "Benign"; Align-GVGD: "Not Available"). In summary, the available evidence is currently insufficient to determine the role of this variant in disease. Therefore, it has been classified as a Variant of Uncertain Significance.

NM_001085487.3(MYSM1):c.790_791delinsGA (p.Thr264Asp)

Gene: MYSM1 (Myb like, SWIRM and MPN domains 1; minus strand). Cytogenetic location: 1p32.1.
Variant type: Indel.
Coding change: c.790_791delinsGA on transcript NM_001085487.3 (MANE Select); coding-DNA positions 790 to 791, AC replaced by GA.
Protein change: p.Thr264Asp; replaces threonine 264 with aspartic acid.
Molecular consequence: missense variant.
Genome position (GRCh38, 1-based): chr1:58,682,253-58,682,254, GT replaced by TC on the plus strand (AC replaced by GA on the coding strand, the reverse complement: MYSM1 is on the minus strand). VCF-style: chr1-58682253-GT-TC. GRCh37 (hg19) VCF-style: chr1-59147925-GT-TC.
Other names: short protein forms T264D.
Identifiers: ClinVar variation 1492328 (VCV001492328.6), dbSNP rs2100650084, ClinGen allele CA2573132488.
Genomic context (GRCh38, chr1:58,682,253, plus strand): 5'-TTTTCATTTTGAAGACAGCCCCTGGAAGACTTAGAAAAGAGAGCTTCCTGGCTGTCAGAA[GT>TC]AATGAATTCTCCTTGATTGGTTTCATGCATTTTACTATTAGGAAAGTCTAACAAGAGATC-3'
Protein context (NP_001078956.1, residues 254-274): MHETNQGEFI[Thr264Asp]SDSQEALFSK